The following is an entry in ClinVar:

NM_000747.3(CHRNB1):c.512C>G (p.Ser171Cys)

Gene: CHRNB1 (cholinergic receptor nicotinic beta 1 subunit; plus strand). Cytogenetic location: 17p13.1.
Variant type: single nucleotide variant.
Coding change: c.512C>G on transcript NM_000747.3 (MANE Select); coding-DNA position 512, C replaced by G.
Protein change: p.Ser171Cys; replaces serine 171 with cysteine.
Molecular consequence: missense variant.
Genome position (GRCh38, 1-based): chr17:7,447,552, C>G. VCF-style: chr17-7447552-C-G. GRCh37 (hg19) VCF-style: chr17-7350871-C-G.
Other names: short protein forms S171C.
Identifiers: ClinVar variation 2420274 (VCV002420274.6), dbSNP rs201453432, ClinGen allele CA8347798.
Genomic context (GRCh38, chr17:7,447,552, plus strand): 5'-CCTCCATCCAGGTCACCTACTTCCCCTTCGACTGGCAGAATTGCACTATGGTGTTCAGCT[C>G]CTACAGCTACGACAGCTCGGAGGTCAGCCTGCAGACAGGCCTGGGTCCTGACGGGCAAGG-3'
Protein context (NP_000738.2, residues 161-181): DWQNCTMVFS[Ser171Cys]YSYDSSEVSL

ClinVar aggregate classification (germline): Uncertain significance (1 of 4 stars; one submission).

Conditions:
Congenital myasthenic syndrome 2A. Also called: Myasthenic syndrome, congenital, 2a, slow-channel. Identifiers: Orphanet 590, MedGen C4225374, MONDO:0014581, OMIM 616313.

Allele frequency attached by ClinVar (database versions not stated): ExAC 0.00003; gnomAD 0.00004; TOPMed 0.00004; ESP Exome Variant Server 0.00015; 1000 Genomes Project 0.00020; 1000 Genomes Project 30x 0.00031.
gnomAD v4.1: 12 of 1,614,206 alleles (0.00074%); highest among the groups gnomAD compares: African/African-American, 0.013%; no homozygotes.

Submission:

Labcorp Genetics (formerly Invitae), Labcorp
Classification: Uncertain significance for Congenital myasthenic syndrome 2A. Last evaluated: 2024-10-28. Review status: criteria provided, single submitter. Criteria: Invitae Variant Classification Sherloc (09022015). Collection method: clinical testing. Allele origin: germline.
Comment: This sequence change replaces serine, which is neutral and polar, with cysteine, which is neutral and slightly polar, at codon 171 of the CHRNB1 protein (p.Ser171Cys). This variant is present in population databases (rs201453432, gnomAD 0.02%). This variant has not been reported in the literature in individuals affected with CHRNB1-related conditions. ClinVar contains an entry for this variant (Variation ID: 2420274). Invitae Evidence Modeling of protein sequence and biophysical properties (such as structural, functional, and spatial information, amino acid conservation, physicochemical variation, residue mobility, and thermodynamic stability) indicates that this missense variant is expected to disrupt CHRNB1 protein function with a positive predictive value of 80%. In summary, the available evidence is currently insufficient to determine the role of this variant in disease. Therefore, it has been classified as a Variant of Uncertain Significance.